The following is an entry in ClinVar:

ClinVar aggregate classification (germline): Uncertain significance (1 of 4 stars; one submission).

gnomAD v4.1: 2 of 1,612,902 alleles (0.00012%); highest among the groups gnomAD compares: Non-Finnish European, 0.00017%; no homozygotes.

Submission:

GeneDx
Classification: Uncertain significance. Last evaluated: 2024-12-20. Review status: criteria provided, single submitter. Criteria: GeneDx Variant Classification Process June 2021. Collection method: clinical testing. Allele origin: germline. Affected: yes.
Comment: Not observed at significant frequency in large population cohorts (gnomAD); Has not been previously published as pathogenic or benign to our knowledge; Canonical splice site variant in a gene for which loss-of-function is not an established mechanism of disease

NM_003587.5(DHX16):c.2498+1G>A

Gene: DHX16 (DEAH-box helicase 16; minus strand). Cytogenetic location: 6p21.33.
Variant type: single nucleotide variant.
Coding change: c.2498+1G>A on transcript NM_003587.5 (MANE Select); the canonical splice donor site of the intron after coding-DNA position 2498, G replaced by A.
Molecular consequence: splice donor variant.
Genome position (GRCh38, 1-based): chr6:30,656,197, C>T on the plus strand (G>A on the coding strand, the complement: DHX16 is on the minus strand). VCF-style: chr6-30656197-C-T. GRCh37 (hg19) VCF-style: chr6-30623974-C-T.
Other names: c.2318+1G>A (NM_001164239.2); c.1055+1G>A (NM_001363515.2).
Identifiers: ClinVar variation 3906377 (VCV003906377.1).